The following is an entry in ClinVar:

NM_004186.5(SEMA3F):c.1546-5T>C

Gene: SEMA3F (semaphorin 3F; plus strand). Cytogenetic location: 3p21.31.
Variant type: single nucleotide variant.
Coding change: c.1546-5T>C on transcript NM_004186.5 (MANE Select); 5 bases into the intron before coding-DNA position 1546, T replaced by C.
Molecular consequence: intron variant.
Genome position (GRCh38, 1-based): chr3:50,185,661, T>C. VCF-style: chr3-50185661-T-C. GRCh37 (hg19) VCF-style: chr3-50223094-T-C.
Other names: c.1249-5T>C (NM_001318798.2); c.1453-5T>C (NM_001318800.2).
Identifiers: ClinVar variation 3351819 (VCV003351819.1).

ClinVar aggregate classification (germline): Likely benign (0 of 4 stars; one submission).

Conditions:
SEMA3F-related disorder. Also called: SEMA3F-related condition.

Submission:

PreventionGenetics, part of Exact Sciences
Classification: Likely benign for SEMA3F-related condition. Last evaluated: 2022-05-10. Review status: no assertion criteria provided. Collection method: clinical testing. Allele origin: germline.
Comment: This variant is classified as likely benign based on ACMG/AMP sequence variant interpretation guidelines (Richards et al. 2015 PMID: 25741868, with internal and published modifications).